The following is an entry in ClinVar:

ClinVar aggregate classification (germline): Likely pathogenic (1 of 4 stars; one submission).

Conditions:
Pyruvate kinase deficiency of red cells (CNSHA2). Also called: PYRUVATE KINASE DEFICIENCY OF ERYTHROCYTE; PK DEFICIENCY; Pyruvate kinase deficiency, Amish type. Identifiers: Orphanet 766, MedGen C0340968, MONDO:0009950, OMIM 266200.

Submission:

Neuberg Centre For Genomic Medicine, NCGM
Classification: Likely pathogenic for Pyruvate kinase deficiency of red cells. Last evaluated: 2023-05-20. Review status: criteria provided, single submitter. Criteria: ACMG Guidelines, 2015. Collection method: clinical testing. Allele origin: germline. Inheritance: Autosomal recessive inheritance. Affected: yes.
Comment: The observed missense variant c.1492C>A (p.Arg498Ser) in PKLR gene has not been reported previously as a pathogenic variant nor as a benign variant, to our knowledge. The p.Arg498Ser variant is present with an allele frequency of 0.0004% in gnomAD exomes database. This variant has not been submitted to the ClinVar database. Computational evidence (SIFT - tolerated; Polyphen - probably damaging; MutationTaster - disease causing) predict conflicting effect on protein structure and function for this variant. The amino acid change p.Arg498Ser in PKLR is predicted as conserved by GERP++ and PhyloP across 100 vertebrates. The amino acid Arg at position 498 is changed to a Ser changing protein sequence and it might alter its composition and physico-chemical properties. This variant is located in a mutational hot-spot where multiple arginine residues have previously been reported to be disease causing (Percy et al. 2007), with another variant [c.1492C>A (Arg498Cys)] disrupting this residue being previously reported (Russo et al. 2018). Additional functional studies will be required to prove the pathogenicity of this variant. For these reasons, this variant has been classified as likely pathogenic .

NM_000298.6(PKLR):c.1492C>A (p.Arg498Ser)

Gene: PKLR (pyruvate kinase L/R; minus strand). Cytogenetic location: 1q22.
Variant type: single nucleotide variant.
Coding change: c.1492C>A on transcript NM_000298.6 (MANE Select); coding-DNA position 1492, C replaced by A.
Protein change: p.Arg498Ser; replaces arginine 498 with serine.
Molecular consequence: missense variant.
Genome position (GRCh38, 1-based): chr1:155,291,882, G>T on the plus strand (C>A on the coding strand, the complement: PKLR is on the minus strand). VCF-style: chr1-155291882-G-T. GRCh37 (hg19) VCF-style: chr1-155261673-G-T.
Other names: c.1399C>A, p.Arg467Ser (NM_181871.4); short protein forms R467S, R498S.
Identifiers: ClinVar variation 3341366 (VCV003341366.1).